The following is an entry in ClinVar:

NM_000492.4(CFTR):c.354dup (p.Ile119fs)

Gene: CFTR (CF transmembrane conductance regulator; plus strand). Cytogenetic location: 7q31.2.
Variant type: Duplication.
Coding change: c.354dup on transcript NM_000492.4 (MANE Select); coding-DNA position 354, one base duplicated (T; older notation c.354dupT).
Protein change: p.Ile119fs; shifts the reading frame from isoleucine 119.
Molecular consequence: frameshift variant.
Genome position (GRCh38, 1-based): chr7:117,530,979, T duplicated. VCF-style (leftmost placement, unchanged base first): chr7-117530978-C-CT. GRCh37 (hg19) VCF-style: chr7-117171032-C-CT.
Other names: c.354dupT (NM_000492.3); short protein forms I119fs.
Identifiers: ClinVar variation 2627238 (VCV002627238.2), dbSNP rs2485009200, ClinGen allele CA2582341941.
Genomic context (GRCh38, chr7:117,530,978, plus strand): 5'-AGCCTCTCTTACTGGGAAGAATCATAGCTTCCTATGACCCGGATAACAAGGAGGAACGCT[C>CT]TATCGCGATTTATCTAGGCATAGGCTTATGCCTTCTCTTTATTGTGAGGACACTGCTCCT-3'

ClinVar aggregate classification (germline): Pathogenic/Likely pathogenic. Review status: criteria provided, multiple submitters, no conflicts (2 of 4 stars). 2 submissions from 2 submitters: Pathogenic (1); Likely pathogenic (1). Last evaluated 2024-11-07.

Conditions:
CFTR-related disorder (CFTR-RD). Also called: CFTR-related disorders; CFTR-related condition. Identifiers: MedGen C5924204, MONDO:7770004.
Cystic fibrosis (CF). Also called: MUCOVISCIDOSIS. Identifiers: Orphanet 586, MedGen C0010674, MONDO:0009061, OMIM 219700. Disease mechanism: loss of function.

Submissions (2):

Natera, Inc.
Classification: Likely pathogenic for CFTR-related disorders. Last evaluated: 2024-11-07. Review status: criteria provided, single submitter. Criteria: Natera Variant Classification Schema (03/2026). Collection method: clinical testing. Allele origin: germline.
Comment: The c.354dup variant in CFTR is a frameshift variant predicted to shift the reading frame beginning at codon 119 and leads to a stop codon 40 codons downstream. This variant is expected to result in nonsense mediated decay, truncation, or a dysfunctional protein product. This variant is rare in the general population with a frequency below the threshold expected for the associated phenotype(s). Given the available evidence, this variant is classified as Likely Pathogenic.

Women's Health and Genetics/Laboratory Corporation of America, LabCorp
Classification: Pathogenic for Cystic fibrosis. Last evaluated: 2023-09-15. Review status: criteria provided, single submitter. Criteria: LabCorp Variant Classification Summary - May 2015. Collection method: clinical testing. Allele origin: germline.
Comment: Variant summary: CFTR c.354dupT (p.Ile119TyrfsX40) results in a premature termination codon, predicted to cause a truncation of the encoded protein or absence of the protein due to nonsense mediated decay, which are commonly known mechanisms for disease. The variant was absent in 250958 control chromosomes. To our knowledge, no occurrence of c.354dupT in individuals affected with Cystic Fibrosis and no experimental evidence demonstrating its impact on protein function have been reported. No submitters have cited clinical-significance assessments for this variant to ClinVar after 2014. Based on the evidence outlined above, the variant was classified as pathogenic.